The following is an entry in ClinVar:

NM_002485.5(NBN):c.2070G>A (p.Lys690=)

Gene: NBN (nibrin; minus strand). Cytogenetic location: 8q21.3.
Variant type: single nucleotide variant.
Coding change: c.2070G>A on transcript NM_002485.5 (MANE Select); coding-DNA position 2070, G replaced by A.
Protein change: p.Lys690=; no amino-acid change (lysine 690 retained).
Molecular consequence: synonymous variant.
Genome position (GRCh38, 1-based): chr8:89,946,140, C>T on the plus strand (G>A on the coding strand, the complement: NBN is on the minus strand). VCF-style: chr8-89946140-C-T. GRCh37 (hg19) VCF-style: chr8-90958368-C-T.
Other names: c.1824G>A, p.Lys608= (NM_001024688.3).
Identifiers: ClinVar variation 1785394 (VCV001785394.7), dbSNP rs1810173689, ClinGen allele CA461837631.

ClinVar aggregate classification (germline): Uncertain significance. Review status: criteria provided, multiple submitters, no conflicts (2 of 4 stars). 2 submissions from 2 submitters: Uncertain significance (2). Last evaluated 2022-09-27.

Conditions:
Microcephaly, normal intelligence and immunodeficiency (NBS). Also called: IMMUNODEFICIENCY, MICROCEPHALY, AND CHROMOSOMAL INSTABILITY; SEEMANOVA SYNDROME II; Nijmegen breakage syndrome; Microcephaly with normal intelligence immunodeficiency and lymphoreticular malignancies; Nonsyndromal microcephaly autosomal recessive with normal intelligence; Seemanova syndrome 2. Identifiers: Orphanet 647, MedGen C0398791, MONDO:0009623, OMIM 251260.
Hereditary cancer-predisposing syndrome. Also called: Tumor predisposition; Neoplastic Syndromes, Hereditary; Hereditary Cancer Syndrome; Hereditary neoplastic syndrome. Identifiers: Orphanet 140162, MedGen C0027672, MeSH D009386, MONDO:0015356.

Submissions (2):

Labcorp Genetics (formerly Invitae), Labcorp
Classification: Uncertain significance for Microcephaly, normal intelligence and immunodeficiency. Last evaluated: 2022-09-27. Review status: criteria provided, single submitter. Criteria: Invitae Variant Classification Sherloc (09022015). Collection method: clinical testing. Allele origin: germline.
Comment: This sequence change affects codon 690 of the NBN mRNA. It is a 'silent' change, meaning that it does not change the encoded amino acid sequence of the NBN protein. This variant also falls at the last nucleotide of exon 13, which is part of the consensus splice site for this exon. This variant is not present in population databases (gnomAD no frequency). This variant has not been reported in the literature in individuals affected with NBN-related conditions. Variants that disrupt the consensus splice site are a relatively common cause of aberrant splicing (PMID: 17576681, 9536098). Algorithms developed to predict the effect of sequence changes on RNA splicing suggest that this variant may disrupt the consensus splice site. In summary, the available evidence is currently insufficient to determine the role of this variant in disease. Therefore, it has been classified as a Variant of Uncertain Significance.

Ambry Genetics
Classification: Uncertain significance for Hereditary cancer-predisposing syndrome. Last evaluated: 2022-06-02. Review status: criteria provided, single submitter. Criteria: Ambry Variant Classification Scheme 2023. Collection method: clinical testing. Allele origin: germline.
Comment: The c.2070G>A variant (also known as p.K690K), located in coding exon 13 of the NBN gene, results from a G to A substitution at nucleotide position 2070. This nucleotide substitution does not change the lysine at codon 690. This nucleotide position is highly conserved in available vertebrate species. In silico splice site analysis predicts that this alteration may weaken the native splice donor site. Since supporting evidence is limited at this time, the clinical significance of this alteration remains unclear.

Literature cited by the submitters: PubMed 17576681 (cited by Labcorp Genetics (formerly Invitae), Labcorp); PubMed 9536098 (cited by Labcorp Genetics (formerly Invitae), Labcorp).